The following is an entry in ClinVar:

Conditions:
Breast-ovarian cancer, familial, susceptibility to, 1 (BROVCA1). Also called: BRCA1 Hereditary Breast and Ovarian Cancer; OVARIAN CANCER, SUSCEPTIBILITY TO. Identifiers: Orphanet 145, MedGen C2676676, MONDO:0011450, OMIM 604370. Disease mechanism: loss of function.

Allele frequency attached by ClinVar (database versions not stated): gnomAD exomes below 0.00001.
gnomAD v4.1: 1 of 1,612,938 alleles (0.000062%); highest among the groups gnomAD compares: Non-Finnish European, 0.000085%; no homozygotes.

Submission:

Brotman Baty Institute, University of Washington
No classification provided (evidence only). Condition: Breast-ovarian cancer, familial 1. Review status: no classification provided. Collection method: in vitro. Allele origin: not applicable. Functional consequence: functionally_normal.
ClinVar note: "not provided" was previously submitted as the classification for the variant. However, the classification appeared to be based only on an observation of functional data so it was converted to no classification on 2025-07-30.

NM_007294.4(BRCA1):c.5332+14A>G

Gene: BRCA1 (BRCA1 DNA repair associated; minus strand). Cytogenetic location: 17q21.31.
Variant type: single nucleotide variant.
Coding change: c.5332+14A>G on transcript NM_007294.4 (MANE Select); 14 bases into the intron after coding-DNA position 5332, A replaced by G.
Molecular consequence: intron variant.
Genome position (GRCh38, 1-based): chr17:43,051,049, T>C on the plus strand (A>G on the coding strand, the complement: BRCA1 is on the minus strand). VCF-style: chr17-43051049-T-C. GRCh37 (hg19) VCF-style: chr17-41203066-T-C.
Other names: c.1879+14A>G (NM_001408458.1, NM_001408461.1, NM_001408464.1 and 7 more transcripts); c.4441+14A>G (NM_001407967.1); c.4951+14A>G (NM_001407959.1); c.5065+14A>G (NM_001407931.1, NM_001407932.1, NM_001407928.1 and 4 more transcripts); c.5188+14A>G (NM_001407747.1, NM_001407745.1, NM_001407737.1 and 21 more transcripts); c.4948+14A>G (NM_001407962.1, NM_001407960.1); c.1519+14A>G (NM_001408512.1); c.1642+14A>G (NM_001408510.1); and 74 more.
Identifiers: ClinVar variation 868321 (VCV000868321.3), dbSNP rs2051191873, ClinGen allele CA916080997.